The following is an entry in ClinVar:

ClinVar aggregate classification (germline): Uncertain significance (1 of 4 stars; one submission).

Conditions:
Inborn genetic diseases. Identifiers: MedGen C0950123, MeSH D030342.

Allele frequency attached by ClinVar (database versions not stated): TOPMed below 0.00001; gnomAD 0.00001; gnomAD exomes 0.00001.
gnomAD v4.1: 13 of 1,614,040 alleles (0.00081%); highest among the groups gnomAD compares: Non-Finnish European, 0.0011%; no homozygotes.

Submission:

Ambry Genetics
Classification: Uncertain significance for Inborn genetic diseases. Last evaluated: 2022-06-06. Review status: criteria provided, single submitter. Criteria: Ambry Variant Classification Scheme 2023. Collection method: clinical testing. Allele origin: germline.
Comment: The c.1745T>C (p.I582T) alteration is located in exon 11 (coding exon 11) of the TGM6 gene. This alteration results from a T to C substitution at nucleotide position 1745, causing the isoleucine (I) at amino acid position 582 to be replaced by a threonine (T). This allele was reported in one heterozygous individual in population-based cohorts in the Genome Aggregation Database (gnomAD). This amino acid position is well conserved in available vertebrate species. The in silico prediction for this alteration is inconclusive. Based on insufficient or conflicting evidence, the clinical significance of this alteration remains unclear.

NM_198994.3(TGM6):c.1745T>C (p.Ile582Thr)

Gene: TGM6 (transglutaminase 6; plus strand). Cytogenetic location: 20p13.
Variant type: single nucleotide variant.
Coding change: c.1745T>C on transcript NM_198994.3 (MANE Select); coding-DNA position 1745, T replaced by C.
Protein change: p.Ile582Thr; replaces isoleucine 582 with threonine.
Molecular consequence: missense variant.
Genome position (GRCh38, 1-based): chr20:2,430,512, T>C. VCF-style: chr20-2430512-T-C. GRCh37 (hg19) VCF-style: chr20-2411158-T-C.
Other names: c.1745T>C, p.Ile582Thr (NM_001254734.2); short protein forms I582T.
Identifiers: ClinVar variation 2283658 (VCV002283658.2), dbSNP rs1341082121, ClinGen allele CA408016822.